The following is an entry in ClinVar:

ClinVar aggregate classification (germline): Pathogenic (1 of 4 stars; one submission).

Conditions:
Early-infantile DEE. Also called: Ohtahara syndrome; Early infantile epileptic encephalopathy with suppression bursts; Early infantile epileptic encephalopathy. Identifiers: Orphanet 1934, MedGen C0393706, MONDO:0800491.

Submission:

Labcorp Genetics (formerly Invitae), Labcorp
Classification: Pathogenic for Early-infantile DEE. Last evaluated: 2023-06-05. Review status: criteria provided, single submitter. Criteria: Invitae Variant Classification Sherloc (09022015). Collection method: clinical testing. Allele origin: germline.
Comment: For these reasons, this variant has been classified as Pathogenic. This variant disrupts the c.4476+1 nucleotide in the SCN1A gene. Other variant(s) that disrupt this nucleotide have been determined to be pathogenic (PMID: 21248271, 23195492, 29655203, 33278787; Invitae). This suggests that this nucleotide is clinically significant, and that variants that disrupt this position are likely to be disease-causing. Variants that disrupt the consensus splice site are a relatively common cause of aberrant splicing (PMID: 17576681, 9536098). Algorithms developed to predict the effect of sequence changes on RNA splicing suggest that this variant may disrupt the consensus splice site. This variant has been observed in individual(s) with clinical features of autosomal dominant SCN1A-related conditions (Invitae). In at least one individual the variant was observed to be de novo. This variant is not present in population databases (gnomAD no frequency). This sequence change falls in intron 23 of the SCN1A gene. It does not directly change the encoded amino acid sequence of the SCN1A protein. It affects a nucleotide within the consensus splice site.

Literature cited by the submitters: PubMed 21248271; PubMed 23195492; PubMed 29655203; PubMed 33278787; PubMed 17576681; PubMed 9536098.

NM_001165963.4(SCN1A):c.4476+1A>C

Genes: SCN1A (sodium voltage-gated channel alpha subunit 1; minus strand), LOC102724058 (uncharacterized LOC102724058; plus strand). Cytogenetic location: 2q24.3.
Variant type: single nucleotide variant.
Coding change: c.4476+1A>C on transcript NM_001165963.4 (MANE Select); the canonical splice donor site of the intron after coding-DNA position 4476, A replaced by C.
Molecular consequence: splice donor variant.
Genome position (GRCh38, 1-based): chr2:165,998,037, T>G on the plus strand (A>C on the coding strand, the complement: SCN1A is on the minus strand). VCF-style: chr2-165998037-T-G. GRCh37 (hg19) VCF-style: chr2-166854547-T-G.
Other names: c.4443+1A>C (NM_001353949.2, NM_001353950.2, NM_001353951.2 and 2 more transcripts); c.4392+1A>C (NM_001353958.2, NM_001353957.2, NM_001165964.3); c.4476+1A>C (NM_001202435.3, NM_001353948.2); c.4440+1A>C (NM_001353955.2, NM_001353954.2); c.4389+1A>C (NM_001353960.2); c.2034+1A>C (NM_001353961.2).
Identifiers: ClinVar variation 2860283 (VCV002860283.3), dbSNP rs796053014, ClinGen allele CA349049042.
Genomic context (GRCh38, chr2:165,998,037, plus strand): 5'-GAAAACACTCCAAGGAATAATTTTCTATCTCAGTGGGAGAGAAAATATTAGAAATACTTA[T>G]CTTCTTTTTCTGCTGGTTGAAATTATCTATGATGACACCAATAAACAGGTTCAAGGTGAA-3'